The following is an entry in ClinVar:

NM_020631.6(PLEKHG5):c.2145GGA[2] (p.Glu718_Glu723del)

Gene: PLEKHG5 (pleckstrin homology and RhoGEF domain containing G5; minus strand). Cytogenetic location: 1p36.31.
Variant type: Microsatellite.
Coding change: c.2145GGA[2] on transcript NM_020631.6 (MANE Select); two copies in a row of the 3-base unit GGA starting at c.2145; the reference has eight copies in a row; six copies, 18 bases deleted.
Protein change: p.Glu718_Glu723del.
Molecular consequence: inframe deletion. On other transcripts: inframe indel (4).
Genome position (GRCh38, 1-based): chr1:6,469,123-6,469,140, TCCTCCTCCTCCTCCTCC deleted on the plus strand (GGAGGAGGAGGAGGAGGA on the coding strand, the reverse complement: PLEKHG5 is on the minus strand); deleting any 18 consecutive bases within chr1:6,469,123-6,469,148 gives the same sequence; the position shown is the placement nearest the transcript's 3' end. VCF-style (leftmost placement, unchanged base first): chr1-6469122-TTCCTCCTCCTCCTCCTCC-T. GRCh37 (hg19) VCF-style: chr1-6529182-TTCCTCCTCCTCCTCCTCC-T.
Other names: c.2256GGA[2], p.Glu755_Glu760del (NM_001042663.3, NM_001265592.2); c.2143_2145GAG[2], p.Glu718_Glu723del (NM_001042664.2, NM_001042665.2, NM_001265594.3); c.2350_2352GAG[2], p.Glu787_Glu792del (NM_001265593.2); c.2145GGA[2], p.Glu718_Glu723del (NM_198681.4).
Identifiers: ClinVar variation 514904 (VCV000514904.7), dbSNP rs113541584, ClinGen allele CA658795381.

ClinVar aggregate classification (germline): Conflicting classifications of pathogenicity. Review status: criteria provided, conflicting classifications (1 of 4 stars). 2 submissions from 2 submitters: Uncertain significance (1); Likely benign (1). Last evaluated 2021-08-27.

Conditions:
Neuronopathy, distal hereditary motor, autosomal recessive 4. Also called: NEUROPATHY, DISTAL HEREDITARY MOTOR, AUTOSOMAL RECESSIVE 4; Autosomal recessive lower motor neuron disease with childhood onset. Identifiers: Orphanet 206580, MedGen C1970211, MONDO:0012608, OMIM 611067.
Charcot-Marie-Tooth disease recessive intermediate C. Also called: CHARCOT-MARIE-TOOTH NEUROPATHY, RECESSIVE INTERMEDIATE C. Identifiers: Orphanet 369867, MedGen C3809309, MONDO:0014154, OMIM 615376.

Submissions (2):

Labcorp Genetics (formerly Invitae), Labcorp
Classification: Uncertain significance for Neuronopathy, distal hereditary motor, autosomal recessive 4; Charcot-Marie-Tooth disease recessive intermediate C. Last evaluated: 2021-08-27. Review status: criteria provided, single submitter. Criteria: Invitae Variant Classification Sherloc (09022015). Collection method: clinical testing. Allele origin: germline.
Comment: This variant, c.2151_2168del, results in the deletion of 6 amino acid(s) of the PLEKHG5 protein (p.Glu718_Glu723del), but otherwise preserves the integrity of the reading frame. This variant is not present in population databases (ExAC no frequency). This variant has not been reported in the literature in individuals affected with PLEKHG5-related conditions. ClinVar contains an entry for this variant (Variation ID: 514904). Experimental studies and prediction algorithms are not available or were not evaluated, and the functional significance of this variant is currently unknown. In summary, the available evidence is currently insufficient to determine the role of this variant in disease. Therefore, it has been classified as a Variant of Uncertain Significance.

GeneDx
Classification: Likely benign. Last evaluated: 2018-02-08. Review status: criteria provided, single submitter. Criteria: GeneDx Variant Classification (06012015). Collection method: clinical testing. Allele origin: germline. Affected: yes.
Comment: This variant is considered likely benign or benign based on one or more of the following criteria: it is a conservative change, it occurs at a poorly conserved position in the protein, it is predicted to be benign by multiple in silico algorithms, and/or has population frequency not consistent with disease.